The following is an entry in ClinVar:

NM_080916.3(DGUOK):c.584C>T (p.Ser195Phe)

Gene: DGUOK (deoxyguanosine kinase; plus strand). Cytogenetic location: 2p13.1.
Variant type: single nucleotide variant.
Coding change: c.584C>T on transcript NM_080916.3 (MANE Select); coding-DNA position 584, C replaced by T.
Protein change: p.Ser195Phe; replaces serine 195 with phenylalanine.
Molecular consequence: missense variant. On other transcripts: non-coding transcript variant (2), intron variant (2).
Genome position (GRCh38, 1-based): chr2:73,950,725, C>T. VCF-style: chr2-73950725-C-T. GRCh37 (hg19) VCF-style: chr2-74177852-C-T.
Other names: c.293C>T, p.Ser98Phe (NM_001318860.2, NM_001318861.2); c.275C>T, p.Ser92Phe (NM_001318862.2, NM_001318863.2); c.443+3819C>T (NM_080918.3); c.425+3837C>T (NM_001318859.2); c.584C>T (NM_080916.2); short protein forms S195F, S92F, S98F.
Identifiers: ClinVar variation 2443580 (VCV002443580.2), dbSNP rs767591165, ClinGen allele CA50408265.
Genomic context (GRCh38, chr2:73,950,725, plus strand): 5'-TTCTCCTGTGGGAGTTTGCCAGCCGGATCACATTACATGGCTTCATCTACCTCCAGGCTT[C>T]TCCCCAGGTAACACTGAACCTACAACCTTAGACTTTAGGGCCATATGAAACCTAAGAAGT-3'
Protein context (NP_550438.1, residues 185-205): TLHGFIYLQA[Ser195Phe]PQVCLKRLYQ

ClinVar aggregate classification (germline): Uncertain significance. Review status: criteria provided, multiple submitters, no conflicts (2 of 4 stars). 2 submissions from 2 submitters: Uncertain significance (2). Last evaluated 2024-12-26.

Conditions:
DGUOK-related disorder. Also called: DGUOK-related condition.

Allele frequency attached by ClinVar (database versions not stated): gnomAD 0.00002; TOPMed 0.00004.
gnomAD v4.1: 145 of 1,614,104 alleles (0.009%); highest among the groups gnomAD compares: Non-Finnish European, 0.012%; no homozygotes.

Submissions (2):

PreventionGenetics, part of Exact Sciences
Classification: Uncertain significance for DGUOK-related condition. Last evaluated: 2024-12-26. Review status: criteria provided, single submitter. Criteria: ACMG Guidelines, 2015. Collection method: clinical testing. Allele origin: germline.
Comment: The DGUOK c.584C>T variant is predicted to result in the amino acid substitution p.Ser195Phe. To our knowledge, this variant has not been reported in the literature. This variant is reported in 0.00088% of alleles in individuals of European (Non-Finnish) descent in gnomAD. At this time, the clinical significance of this variant is uncertain due to the absence of conclusive functional and genetic evidence.

GeneDx
Classification: Uncertain significance. Last evaluated: 2023-03-08. Review status: criteria provided, single submitter. Criteria: GeneDx Variant Classification Process June 2021. Collection method: clinical testing. Allele origin: germline. Affected: yes.
Comment: Not observed at significant frequency in large population cohorts (gnomAD); In silico analysis supports that this missense variant has a deleterious effect on protein structure/function; Has not been previously published as pathogenic or benign to our knowledge